The following is an entry in ClinVar:

ClinVar aggregate classification (germline): Uncertain significance (1 of 4 stars; one submission).

Conditions:
Fabry disease. Also called: ALPHA-GALACTOSIDASE A DEFICIENCY; ANDERSON-FABRY DISEASE; CERAMIDE TRIHEXOSIDASE DEFICIENCY; GLA DEFICIENCY; HEREDITARY DYSTOPIC LIPIDOSIS; Angiokeratoma corporis diffusum. Identifiers: Orphanet 324, MedGen C0002986, MONDO:0010526, OMIM 301500, HP:0001071. Disease mechanism: Fabry disease is due to inactivating mutations in the X-linked GLA gene resulting in deficiency of the enzyme Alpha Galactosidase-A., loss of function.

Submission:

Genomenon, Inc
Classification: Uncertain significance for Fabry disease. Last evaluated: 2026-09-08. Review status: criteria provided, single submitter. Criteria: Genomenon Sequence Variant Interpretation Standards - Updated. Collection method: curation. Allele origin: germline. Affected: yes.
Comment: GLA p.Phe69Ser (c.206T>C) is a missense variant that changes the amino acid at codon 69 from Phenylalanine to Serine. This variant has been observed in at least one proband with clinical features consistent with Fabry disease (PMID:32813676). The variant was found to segregate with disease in at least one affected family (PMID:32813676). Functional or patient cell studies have been reported (PMID:32813676). It is absent or not present at a significant frequency in gnomAD. In silico models predict that this variant is possibly or probably damaging. In conclusion, we classify GLA p.Phe69Ser (c.206T>C) as a variant of uncertain significance.

Literature cited by the submitters: PubMed 32813676.

NM_000169.3(GLA):c.206T>C (p.Phe69Ser)

Genes: GLA (galactosidase alpha; minus strand), RPL36A-HNRNPH2 (RPL36A-HNRNPH2 readthrough; plus strand). Cytogenetic location: Xq22.1.
Variant type: single nucleotide variant.
Coding change: c.206T>C on transcript NM_000169.3 (MANE Select); coding-DNA position 206, T replaced by C.
Protein change: p.Phe69Ser; replaces phenylalanine 69 with serine.
Molecular consequence: missense variant. On other transcripts: non-coding transcript variant (3), intron variant (2).
Genome position (GRCh38, 1-based): chrX:101,403,974, A>G on the plus strand (T>C on the coding strand, the complement: GLA is on the minus strand). VCF-style: chrX-101403974-A-G. GRCh37 (hg19) VCF-style: chrX-100658962-A-G.
Other names: c.329T>C, p.Phe110Ser (NM_001406747.1, NM_001406749.1); c.206T>C, p.Phe69Ser (NM_001406748.1); c.301-7962A>G (NM_001199973.2); c.178-7962A>G (NM_001199974.2); short protein forms F110S, F69S.
Identifiers: ClinVar variation 4087302 (VCV004087302.2).